The following is an entry in ClinVar:

NM_000288.4(PEX7):c.272C>T (p.Ser91Leu)

Gene: PEX7 (peroxisomal biogenesis factor 7; plus strand). Cytogenetic location: 6q23.3.
Variant type: single nucleotide variant.
Coding change: c.272C>T on transcript NM_000288.4 (MANE Select); coding-DNA position 272, C replaced by T.
Protein change: p.Ser91Leu; replaces serine 91 with leucine.
Molecular consequence: missense variant.
Genome position (GRCh38, 1-based): chr6:136,826,402, C>T. VCF-style: chr6-136826402-C-T. GRCh37 (hg19) VCF-style: chr6-137147540-C-T.
Other names: c.158C>T, p.Ser53Leu (NM_001410945.1); short protein forms S53L, S91L.
Identifiers: ClinVar variation 3669059 (VCV003669059.1).

ClinVar aggregate classification (germline): Uncertain significance (1 of 4 stars; one submission).

Conditions:
Peroxisome biogenesis disorder 9B. Also called: PEROXISOME BIOGENESIS DISORDER, PEX7-RELATED, ATYPICAL; Refsum disease, adult, 2; PEX7-Related Refsum Disease. Identifiers: Orphanet 773, MedGen C2749346, MONDO:0013945, OMIM 614879.

Submission:

Labcorp Genetics (formerly Invitae), Labcorp
Classification: Uncertain significance for Peroxisome biogenesis disorder 9B. Last evaluated: 2024-12-14. Review status: criteria provided, single submitter. Criteria: Invitae Variant Classification Sherloc (09022015). Collection method: clinical testing. Allele origin: germline.
Comment: This sequence change replaces serine, which is neutral and polar, with leucine, which is neutral and non-polar, at codon 91 of the PEX7 protein (p.Ser91Leu). This variant is present in population databases (rs374762520, gnomAD 0.01%). This variant has not been reported in the literature in individuals affected with PEX7-related conditions. An algorithm developed to predict the effect of missense changes on protein structure and function (PolyPhen-2) suggests that this variant is likely to be disruptive. In summary, the available evidence is currently insufficient to determine the role of this variant in disease. Therefore, it has been classified as a Variant of Uncertain Significance.